The following is an entry in ClinVar:

ClinVar aggregate classification (germline): Pathogenic. Review status: criteria provided, multiple submitters, no conflicts (2 of 4 stars). 2 submissions from 2 submitters: Pathogenic (2). Last evaluated 2024-01-03.

Conditions:
Finnish congenital nephrotic syndrome (NPHS1). Also called: NEPHROTIC SYNDROME, TYPE 1. Identifiers: Orphanet 839, MedGen C0403399, MONDO:0009732, OMIM 256300.

Allele frequency attached by ClinVar (database versions not stated): gnomAD exomes below 0.00001.
gnomAD v4.1: 1 of 1,612,678 alleles (0.000062%); highest among the groups gnomAD compares: Non-Finnish European, 0.000085%; no homozygotes.

Submissions (2):

Labcorp Genetics (formerly Invitae), Labcorp
Classification: Pathogenic. Last evaluated: 2024-01-03. Review status: criteria provided, single submitter. Criteria: Invitae Variant Classification Sherloc (09022015). Collection method: clinical testing. Allele origin: germline.
Comment: This sequence change creates a premature translational stop signal (p.Trp247*) in the NPHS1 gene. It is expected to result in an absent or disrupted protein product. Loss-of-function variants in NPHS1 are known to be pathogenic (PMID: 11317351, 11854170, 12039988). This variant is not present in population databases (gnomAD no frequency). This premature translational stop signal has been observed in individual(s) with congenital nephrotic syndrome (PMID: 20507940). ClinVar contains an entry for this variant (Variation ID: 813498). For these reasons, this variant has been classified as Pathogenic.

Baylor Genetics
Classification: Pathogenic for Finnish congenital nephrotic syndrome. Review status: criteria provided, single submitter. Criteria: ACMG Guidelines, 2015. Collection method: clinical testing. Allele origin: germline.

Literature cited by the submitters: PubMed 11317351 (cited by Labcorp Genetics (formerly Invitae), Labcorp); PubMed 11854170 (cited by Labcorp Genetics (formerly Invitae), Labcorp); PubMed 12039988 (cited by Labcorp Genetics (formerly Invitae), Labcorp); PubMed 20507940 (cited by Labcorp Genetics (formerly Invitae), Labcorp).

NM_004646.4(NPHS1):c.740G>A (p.Trp247Ter)

Gene: NPHS1 (NPHS1 adhesion molecule, nephrin; minus strand). Cytogenetic location: 19q13.12.
Variant type: single nucleotide variant.
Coding change: c.740G>A on transcript NM_004646.4 (MANE Select); coding-DNA position 740, G replaced by A.
Protein change: p.Trp247Ter; replaces tryptophan 247 with a stop codon.
Molecular consequence: nonsense.
Genome position (GRCh38, 1-based): chr19:35,849,336, C>T on the plus strand (G>A on the coding strand, the complement: NPHS1 is on the minus strand). VCF-style: chr19-35849336-C-T. GRCh37 (hg19) VCF-style: chr19-36340238-C-T.
Other names: short protein forms W247*.
Identifiers: ClinVar variation 813498 (VCV000813498.4), dbSNP rs1599845689, ClinGen allele CA405407206.